The following is an entry in ClinVar:

NM_000038.6(APC):c.3715A>G (p.Arg1239Gly)

Gene: APC (APC regulator of Wnt signaling pathway; plus strand). Cytogenetic location: 5q22.2.
Variant type: single nucleotide variant.
Coding change: c.3715A>G on transcript NM_000038.6 (MANE Select); coding-DNA position 3715, A replaced by G.
Protein change: p.Arg1239Gly; replaces arginine 1239 with glycine.
Molecular consequence: missense variant.
Genome position (GRCh38, 1-based): chr5:112,839,309, A>G. VCF-style: chr5-112839309-A-G. GRCh37 (hg19) VCF-style: chr5-112175006-A-G.
Other names: c.3715A>G, p.Arg1239Gly (NM_001127510.3, NM_001354895.2); c.3661A>G, p.Arg1221Gly (NM_001127511.3); c.3769A>G, p.Arg1257Gly (NM_001354896.2); c.3745A>G, p.Arg1249Gly (NM_001354897.2); c.3640A>G, p.Arg1214Gly (NM_001354898.2); c.3631A>G, p.Arg1211Gly (NM_001354899.2); c.3592A>G, p.Arg1198Gly (NM_001354900.2); c.3538A>G, p.Arg1180Gly (NM_001354901.2); and 5 more; short protein forms R1239G, R1148G, R1180G, R1198G, R1257G, R956G, R1138G, R1249G.
Identifiers: ClinVar variation 824114 (VCV000824114.15), dbSNP rs781075182, ClinGen allele CA036354.

ClinVar aggregate classification (germline): Uncertain significance. Review status: criteria provided, multiple submitters, no conflicts (2 of 4 stars). 4 submissions from 4 submitters: Uncertain significance (4). Last evaluated 2026-01-10.

Conditions:
Hereditary cancer-predisposing syndrome. Also called: Neoplastic Syndromes, Hereditary; Hereditary Cancer Syndrome; Tumor predisposition; Hereditary neoplastic syndrome. Identifiers: Orphanet 140162, MedGen C0027672, MeSH D009386, MONDO:0015356.
Classic or attenuated familial adenomatous polyposis. Identifiers: MedGen CN372698, MONDO:0021057.
APC-related disorder. Also called: APC-related condition.
Familial adenomatous polyposis 1 (FAP1). Also called: POLYPOSIS, ADENOMATOUS INTESTINAL; FAMILIAL ADENOMATOUS POLYPOSIS 1, ATTENUATED. Identifiers: MedGen C2713442, MONDO:0021056, OMIM 175100. Disease mechanism: loss of function.

Allele frequency attached by ClinVar (database versions not stated): gnomAD exomes below 0.00001 and 0.00001; ExAC 0.00001; gnomAD 0.00001; TOPMed 0.00002.
gnomAD v4.1: 7 of 1,613,872 alleles (0.00043%); highest among the groups gnomAD compares: South Asian, 0.0055%; no homozygotes.

Submissions (4):

Labcorp Genetics (formerly Invitae), Labcorp
Classification: Uncertain significance for Familial adenomatous polyposis 1. Last evaluated: 2026-01-10. Review status: criteria provided, single submitter. Criteria: Invitae Variant Classification Sherloc (09022015). Collection method: clinical testing. Allele origin: germline.
Comment: This sequence change replaces arginine, which is basic and polar, with glycine, which is neutral and non-polar, at codon 1239 of the APC protein (p.Arg1239Gly). This variant is present in population databases (rs781075182, gnomAD 0.004%). This variant has not been reported in the literature in individuals affected with APC-related conditions. ClinVar contains an entry for this variant (Variation ID: 824114). Invitae Evidence Modeling of protein sequence and biophysical properties (such as structural, functional, and spatial information, amino acid conservation, physicochemical variation, residue mobility, and thermodynamic stability) indicates that this missense variant is not expected to disrupt APC protein function with a negative predictive value of 95%. In summary, the available evidence is currently insufficient to determine the role of this variant in disease. Therefore, it has been classified as a Variant of Uncertain Significance.

Ambry Genetics
Classification: Uncertain significance for Hereditary cancer-predisposing syndrome. Last evaluated: 2025-12-18. Review status: criteria provided, single submitter. Criteria: Ambry Variant Classification Scheme 2023. Collection method: clinical testing. Allele origin: germline.
Comment: The p.R1239G variant (also known as c.3715A>G), located in coding exon 15 of the APC gene, results from an A to G substitution at nucleotide position 3715. The arginine at codon 1239 is replaced by glycine, an amino acid with dissimilar properties. This amino acid position is highly conserved in available vertebrate species. In addition, in silico predictors for this gene do not accurately predict pathogenicity. Since supporting evidence is limited at this time, the clinical significance of this alteration remains unclear.

PreventionGenetics, part of Exact Sciences
Classification: Uncertain significance for APC-related condition. Last evaluated: 2025-09-07. Review status: criteria provided, single submitter. Criteria: ACMG Guidelines, 2015. Collection method: clinical testing. Allele origin: germline.
Comment: The APC c.3715A>G variant is predicted to result in the amino acid substitution p.Arg1239Gly. To our knowledge, this variant has not been reported in the literature. This variant is reported in 0.0040% of alleles in individuals of African descent in gnomAD and is interpreted as uncertain in ClinVar (Variation ID: 824114). At this time, the clinical significance of this variant is uncertain due to the absence of conclusive functional and genetic evidence.

All of Us Research Program, National Institutes of Health
Classification: Uncertain significance for Classic or attenuated familial adenomatous polyposis. Last evaluated: 2023-09-17. Review status: criteria provided, single submitter. Criteria: ACMG Guidelines, 2015. Collection method: clinical testing. Allele origin: germline. Inheritance: Autosomal dominant inheritance. Observed: 1 variant allele, 1 heterozygote.
Comment: This missense variant replaces arginine with glycine at codon 1239 of the APC protein. Computational prediction is inconclusive regarding the impact of this variant on protein structure and function (internally defined REVEL score threshold 0.5 < inconclusive < 0.7, PMID: 27666373). To our knowledge, functional studies have not been reported for this variant. This variant has not been reported in individuals affected with APC-related disorders in the literature. This variant has been identified in 3/281158 chromosomes in the general population by the Genome Aggregation Database (gnomAD). The available evidence is insufficient to determine the role of this variant in disease conclusively. Therefore, this variant is classified as a Variant of Uncertain Significance.

This study involves interpretation of variants in research participants for the purpose of population health screening. Participant phenotype was not available at the time of variant classification. Additional details can be found in publication PMID: 35346344, PMCID: PMC8962531